The following is an entry in ClinVar:

NM_183065.4(TMEM107):c.50C>A (p.Ala17Glu)

Genes: TMEM107 (transmembrane protein 107; minus strand), LOC105371520 (uncharacterized LOC105371520; plus strand). Cytogenetic location: 17p13.1.
Variant type: single nucleotide variant.
Coding change: c.50C>A on transcript NM_183065.4 (MANE Select); coding-DNA position 50, C replaced by A.
Protein change: p.Ala17Glu; replaces alanine 17 with glutamic acid.
Molecular consequence: missense variant. On other transcripts: non-coding transcript variant (1).
Genome position (GRCh38, 1-based): chr17:8,176,237, G>T on the plus strand (C>A on the coding strand, the complement: TMEM107 is on the minus strand). VCF-style: chr17-8176237-G-T. GRCh37 (hg19) VCF-style: chr17-8079555-G-T.
Other names: c.50C>A, p.Ala17Glu (NM_001351278.2, NM_001351279.2, NM_001351280.2 and 1 more transcripts); short protein forms A17E.
Identifiers: ClinVar variation 4975366 (VCV004975366.1).

ClinVar aggregate classification (germline): Uncertain significance (1 of 4 stars; one submission).

Submission:

GeneDx
Classification: Uncertain significance. Last evaluated: 2026-01-22. Review status: criteria provided, single submitter. Criteria: GeneDx Variant Classification Process June 2021. Collection method: clinical testing. Allele origin: germline.
Comment: Not observed at significant frequency in large population cohorts (gnomAD); In silico analysis supports that this missense variant has a deleterious effect on protein structure/function; Has not been previously published as pathogenic or benign to our knowledge